The following is an entry in ClinVar:

NM_000138.5(FBN1):c.5924A>G (p.Asn1975Ser)

Gene: FBN1 (fibrillin 1; minus strand). Cytogenetic location: 15q21.1.
Variant type: single nucleotide variant.
Coding change: c.5924A>G on transcript NM_000138.5 (MANE Select); coding-DNA position 5924, A replaced by G.
Protein change: p.Asn1975Ser; replaces asparagine 1975 with serine.
Molecular consequence: missense variant.
Genome position (GRCh38, 1-based): chr15:48,444,654, T>C on the plus strand (A>G on the coding strand, the complement: FBN1 is on the minus strand). VCF-style: chr15-48444654-T-C. GRCh37 (hg19) VCF-style: chr15-48736851-T-C.
Other names: c.5924A>G (NM_000138.4); short protein forms N1975S.
Identifiers: ClinVar variation 1400799 (VCV001400799.9), dbSNP rs2141248181, ClinGen allele CA392339894.

ClinVar aggregate classification (germline): Uncertain significance (1 of 4 stars; one submission).

Conditions:
Geleophysic dysplasia 2 (GPHYSD2). Identifiers: Orphanet 2623, MedGen C3280054, MONDO:0013612, OMIM 614185.
Acromicric dysplasia (ACMICD). Also called: Acromicric skeletal dysplasia. Identifiers: Orphanet 969, MedGen C0265287, MONDO:0007055, OMIM 102370.
Weill-Marchesani syndrome 2, dominant. Also called: FBN1-Related Weill-Marchesani Syndrome; Weill-Marchesani Syndrome, Autosomal Dominant. Identifiers: Orphanet 2084, MedGen C1869115, MONDO:0012013, OMIM 608328.
Marfan syndrome (MFS). Also called: Marfan syndrome type 1; Marfan's syndrome; FBN1-Related Marfan Syndrome; MARFAN SYNDROME, TYPE I; Marfan syndrome, classic. Identifiers: Orphanet 284963, Orphanet 558, MedGen C0024796, MONDO:0007947, OMIM 154700.
Ectopia lentis 1, isolated, autosomal dominant (ECTOL1). Identifiers: Orphanet 1885, MedGen C3541518, MONDO:0007514, OMIM 129600.
Progeroid and marfanoid aspect-lipodystrophy syndrome. Also called: MARFANOID-PROGEROID-LIPODYSTROPHY SYNDROME; MARFANOID-PROGEROID SYNDROME; MARFAN-PROGEROID-LIPODYSTROPHY SYNDROME; Marfan lipodystrophy syndrome. Identifiers: Orphanet 300382, MedGen C4310796, MONDO:0014831, OMIM 616914.
Stiff skin syndrome (SSKS). Identifiers: Orphanet 2833, MedGen C1861456, MONDO:0008492, OMIM 184900.
Familial thoracic aortic aneurysm and aortic dissection (TAAD). Also called: Thoracic aortic aneurysms and dissections. Identifiers: Orphanet 91387, MedGen C4707243, MONDO:0019625.
MASS syndrome (OCTD). Also called: MASS PHENOTYPE; OVERLAP CONNECTIVE TISSUE DISEASE. Identifiers: MedGen C1858556, MONDO:0011431, OMIM 604308.

Submission:

Labcorp Genetics (formerly Invitae), Labcorp
Classification: Uncertain significance for Marfan syndrome; Familial thoracic aortic aneurysm and aortic dissection. Last evaluated: 2025-12-06. Review status: criteria provided, single submitter. Criteria: Invitae Variant Classification Sherloc (09022015). Collection method: clinical testing. Allele origin: germline.
Comment: This sequence change replaces asparagine, which is neutral and polar, with serine, which is neutral and polar, at codon 1975 of the FBN1 protein (p.Asn1975Ser). This variant is not present in population databases (gnomAD no frequency). This missense change has been observed in individual(s) with clinical features of FBN1-related conditions (internal data). ClinVar contains an entry for this variant (Variation ID: 1400799). Invitae Evidence Modeling of protein sequence and biophysical properties (such as structural, functional, and spatial information, amino acid conservation, physicochemical variation, residue mobility, and thermodynamic stability) indicates that this missense variant is expected to disrupt FBN1 protein function with a positive predictive value of 95%. In summary, the available evidence is currently insufficient to determine the role of this variant in disease. Therefore, it has been classified as a Variant of Uncertain Significance.